The following is an entry in ClinVar:

NM_004304.5(ALK):c.1704A>G (p.Leu568=)

Gene: ALK (ALK receptor tyrosine kinase; minus strand). Cytogenetic location: 2p23.2.
Variant type: single nucleotide variant.
Coding change: c.1704A>G on transcript NM_004304.5 (MANE Select); coding-DNA position 1704, A replaced by G.
Protein change: p.Leu568=; no amino-acid change (leucine 568 retained).
Molecular consequence: synonymous variant.
Genome position (GRCh38, 1-based): chr2:29,297,001, T>C on the plus strand (A>G on the coding strand, the complement: ALK is on the minus strand). VCF-style: chr2-29297001-T-C. GRCh37 (hg19) VCF-style: chr2-29519867-T-C.
Identifiers: ClinVar variation 2709707 (VCV002709707.11), dbSNP rs2148231200, ClinGen allele CA425434451.

ClinVar aggregate classification (germline): Likely benign. Review status: criteria provided, multiple submitters, no conflicts (2 of 4 stars). 2 submissions from 2 submitters: Likely benign (2). Last evaluated 2025-08-01.

Conditions:
Neuroblastoma, susceptibility to, 3. Also called: ALK-Related Neuroblastic Tumor Susceptibility. Identifiers: Orphanet 635, MedGen C2751681, MONDO:0013083, OMIM 613014.

Submissions (2):

CeGaT Center for Human Genetics Tuebingen
Classification: Likely benign. Last evaluated: 2025-08-01. Review status: criteria provided, single submitter. Criteria: CeGaT Center For Human Genetics Tuebingen Variant Classification Criteria Version 2. Collection method: clinical testing. Allele origin: germline. Affected: yes. Observed: 1 variant allele.
Comment: ALK: PM2:Supporting, BP4, BP7

Labcorp Genetics (formerly Invitae), Labcorp
Classification: Likely benign for Neuroblastoma, susceptibility to, 3. Last evaluated: 2023-12-15. Review status: criteria provided, single submitter. Criteria: Invitae Variant Classification Sherloc (09022015). Collection method: clinical testing. Allele origin: germline.